The following is an entry in ClinVar:

ClinVar aggregate classification (germline): Conflicting classifications of pathogenicity. Review status: criteria provided, conflicting classifications (1 of 4 stars). 2 submissions from 2 submitters: Uncertain significance (1); Likely benign (1). Last evaluated 2026-01-01.

Allele frequency attached by ClinVar (database versions not stated): ExAC 0.00003; ESP Exome Variant Server 0.00008; gnomAD 0.00013; 1000 Genomes Project 30x 0.00016; TOPMed 0.00020.
gnomAD v4.1: 45 of 1,613,632 alleles (0.0028%); highest among the groups gnomAD compares: African/African-American, 0.04%; 1 homozygote.

Submissions (2):

CeGaT Center for Human Genetics Tuebingen
Classification: Likely benign. Last evaluated: 2026-01-01. Review status: criteria provided, single submitter. Criteria: CeGaT Center For Human Genetics Tuebingen Variant Classification Criteria Version 2. Collection method: clinical testing. Allele origin: germline. Affected: yes. Observed: 2 variant alleles.
Comment: AHNAK2: BP4

Ambry Genetics
Classification: Uncertain significance. Last evaluated: 2023-10-24. Review status: criteria provided, single submitter. Criteria: Ambry Variant Classification Scheme 2023. Collection method: clinical testing. Allele origin: germline.

NM_138420.4(AHNAK2):c.15202G>A (p.Gly5068Ser)

Gene: AHNAK2 (AHNAK nucleoprotein 2; minus strand). Cytogenetic location: 14q32.33.
Variant type: single nucleotide variant.
Coding change: c.15202G>A on transcript NM_138420.4 (MANE Select); coding-DNA position 15202, G replaced by A.
Protein change: p.Gly5068Ser; replaces glycine 5068 with serine.
Molecular consequence: missense variant.
Genome position (GRCh38, 1-based): chr14:104,940,249, C>T on the plus strand (G>A on the coding strand, the complement: AHNAK2 is on the minus strand). VCF-style: chr14-104940249-C-T. GRCh37 (hg19) VCF-style: chr14-105406586-C-T.
Other names: c.14902G>A, p.Gly4968Ser (NM_001350929.2); c.15202G>A (NM_138420.2); short protein forms G4968S, G5068S.
Identifiers: ClinVar variation 3025876 (VCV003025876.23), dbSNP rs371225690, ClinGen allele CA7377505.
Genomic context (GRCh38, chr14:104,940,249, plus strand): 5'-GGAGGTTCACACCCTCACTTCCTGTGGCACTTGCTGTTGCACCAAGTCCTCCCCTACCAC[C>T]GTCACTGCTGGCCTTTTCTGTGTCTTGAAAGCTACCCCCTGCTGTGGCACTAGAAAGGGA-3'
Protein context (NP_612429.2, residues 5058-5078): FQDTEKASSD[Gly5068Ser]GRGGLGATAS